The following is an entry in ClinVar:

ClinVar aggregate classification (germline): Likely benign. Review status: criteria provided, multiple submitters, no conflicts (2 of 4 stars). 2 submissions from 2 submitters: Likely benign (2). Last evaluated 2024-06-01.

Conditions:
POLD1-related polyposis and colorectal cancer syndrome (CRCS10). Also called: Colorectal cancer 10; COLORECTAL CANCER, SUSCEPTIBILITY TO, ON CHROMOSOME 19q; Colorectal cancer, susceptibility to, 10. Identifiers: Orphanet 220460, MedGen C2675481, MONDO:0012953, OMIM 612591.

Allele frequency attached by ClinVar (database versions not stated): ExAC 0.00001; TOPMed 0.00001.

Submissions (2):

CeGaT Center for Human Genetics Tuebingen
Classification: Likely benign. Last evaluated: 2024-06-01. Review status: criteria provided, single submitter. Criteria: CeGaT Center For Human Genetics Tuebingen Variant Classification Criteria Version 2. Collection method: clinical testing. Allele origin: germline. Affected: yes. Observed: 1 variant allele.
Comment: POLD1: BP4

Labcorp Genetics (formerly Invitae), Labcorp
Classification: Likely benign for POLD1-related polyposis and colorectal cancer syndrome. Last evaluated: 2024-04-05. Review status: criteria provided, single submitter. Criteria: Invitae Variant Classification Sherloc (09022015). Collection method: clinical testing. Allele origin: germline.

NM_002691.4(POLD1):c.2717+8G>T

Gene: POLD1 (DNA polymerase delta 1, catalytic subunit; plus strand). Cytogenetic location: 19q13.33.
Variant type: single nucleotide variant.
Coding change: c.2717+8G>T on transcript NM_002691.4 (MANE Select); 8 bases into the intron after coding-DNA position 2717, G replaced by T.
Molecular consequence: intron variant.
Genome position (GRCh38, 1-based): chr19:50,415,598, G>T. VCF-style: chr19-50415598-G-T. GRCh37 (hg19) VCF-style: chr19-50918855-G-T.
Other names: c.2717+8G>T (NM_001256849.1); c.2795+8G>T (NM_001308632.1).
Identifiers: ClinVar variation 711735 (VCV000711735.27), dbSNP rs752674105, ClinGen allele CA9596620.